The following is an entry in ClinVar:

ClinVar aggregate classification (germline): Uncertain significance. Review status: criteria provided, multiple submitters, no conflicts (2 of 4 stars). 2 submissions from 2 submitters: Uncertain significance (2). Last evaluated 2026-06-02.

Conditions:
Hereditary cancer-predisposing syndrome. Also called: Hereditary neoplastic syndrome; Tumor predisposition; Hereditary Cancer Syndrome; Neoplastic Syndromes, Hereditary. Identifiers: Orphanet 140162, MedGen C0027672, MeSH D009386, MONDO:0015356.
Multiple endocrine neoplasia, type 1 (MEN1). Also called: MEN I; WERMER SYNDROME; Endocrine adenomatosis multiple; MEN 1; MEA I. Identifiers: Orphanet 652, MedGen C0025267, MeSH D018761, MONDO:0007540, OMIM 131100.

gnomAD v4.1: 4 of 1,504,356 alleles (0.00027%); highest among the groups gnomAD compares: Non-Finnish European, 0.00036%; no homozygotes.

Submissions (2):

Ambry Genetics
Classification: Uncertain significance for Hereditary cancer-predisposing syndrome. Last evaluated: 2026-06-02. Review status: criteria provided, single submitter. Criteria: Ambry Variant Classification Scheme 2023. Collection method: clinical testing. Allele origin: germline.
Comment: The p.F11L variant (also known as c.33C>A), located in coding exon 1 of the MEN1 gene, results from a C to A substitution at nucleotide position 33. The phenylalanine at codon 11 is replaced by leucine, an amino acid with highly similar properties. This amino acid position is highly conserved in available vertebrate species. In addition, this alteration is predicted to be deleterious by in silico analysis. Based on the available evidence, the clinical significance of this variant remains unclear.

Labcorp Genetics (formerly Invitae), Labcorp
Classification: Uncertain significance for Multiple endocrine neoplasia, type 1. Last evaluated: 2024-09-12. Review status: criteria provided, single submitter. Criteria: Invitae Variant Classification Sherloc (09022015). Collection method: clinical testing. Allele origin: germline.
Comment: This sequence change replaces phenylalanine, which is neutral and non-polar, with leucine, which is neutral and non-polar, at codon 11 of the MEN1 protein (p.Phe11Leu). This variant is not present in population databases (gnomAD no frequency). This variant has not been reported in the literature in individuals affected with MEN1-related conditions. Invitae Evidence Modeling of protein sequence and biophysical properties (such as structural, functional, and spatial information, amino acid conservation, physicochemical variation, residue mobility, and thermodynamic stability) indicates that this missense variant is expected to disrupt MEN1 protein function with a positive predictive value of 95%. In summary, the available evidence is currently insufficient to determine the role of this variant in disease. Therefore, it has been classified as a Variant of Uncertain Significance.

NM_001370259.2(MEN1):c.33C>A (p.Phe11Leu)

Gene: MEN1 (menin 1; minus strand). Cytogenetic location: 11q13.1.
Variant type: single nucleotide variant.
Coding change: c.33C>A on transcript NM_001370259.2 (MANE Select); coding-DNA position 33, C replaced by A.
Protein change: p.Phe11Leu; replaces phenylalanine 11 with leucine.
Molecular consequence: missense variant. On other transcripts: non-coding transcript variant (4).
Genome position (GRCh38, 1-based): chr11:64,810,077, G>T on the plus strand (C>A on the coding strand, the complement: MEN1 is on the minus strand). VCF-style: chr11-64810077-G-T. GRCh37 (hg19) VCF-style: chr11-64577549-G-T.
Other names: c.33C>A, p.Phe11Leu (NM_001407150.1, NM_001407151.1, NM_001407152.1 and 20 more transcripts); short protein forms F11L.
Identifiers: ClinVar variation 3634217 (VCV003634217.3).